The following is an entry in ClinVar:

ClinVar aggregate classification (germline): Uncertain significance (1 of 4 stars; one submission).

Conditions:
Intellectual disability, X-linked 102 (MRXSSB). Also called: Intellectual developmental disorder, X-linked syndromic, Snijders Blok type. Identifiers: Orphanet 457260, MedGen C5393299, MONDO:0010497, OMIM 300958.

Submission:

Juno Genomics, Hangzhou Juno Genomics, Inc
Classification: Uncertain significance for Intellectual disability, X-linked 102. Review status: criteria provided, single submitter. Criteria: ACMG Guidelines, 2015. Collection method: clinical testing. Allele origin: germline.
Comment: Absent from controls (or at extremely low frequency if recessive) in Genome Aggregation Database.

NM_001356.5(DDX3X):c.103+15T>C

Gene: DDX3X (DEAD-box helicase 3 X-linked; plus strand). Cytogenetic location: Xp11.4.
Variant type: single nucleotide variant.
Coding change: c.103+15T>C on transcript NM_001356.5 (MANE Select); 15 bases into the intron after coding-DNA position 103, T replaced by C.
Molecular consequence: intron variant.
Genome position (GRCh38, 1-based): chrX:41,337,480, T>C. VCF-style: chrX-41337480-T-C. GRCh37 (hg19) VCF-style: chrX-41196733-T-C.
Other names: c.103+15T>C (NM_001193416.3, NM_001193417.3); c.-1801+15T>C (NM_001363819.1).
Identifiers: ClinVar variation 5007560 (VCV005007560.2).